The following is an entry in ClinVar:

ClinVar aggregate classification (germline): Pathogenic (1 of 4 stars; one submission).

Conditions:
Bardet-Biedl syndrome (BBS). Identifiers: Orphanet 110, MedGen C0752166, MONDO:0015229.

Allele frequency attached by ClinVar (database versions not stated): gnomAD exomes below 0.00001.

Submission:

Labcorp Genetics (formerly Invitae), Labcorp
Classification: Pathogenic for Bardet-Biedl syndrome. Last evaluated: 2023-09-19. Review status: criteria provided, single submitter. Criteria: Invitae Variant Classification Sherloc (09022015). Collection method: clinical testing. Allele origin: germline.
Comment: This sequence change creates a premature translational stop signal (p.Thr374Aspfs*41) in the BBS1 gene. It is expected to result in an absent or disrupted protein product. Loss-of-function variants in BBS1 are known to be pathogenic (PMID: 12118255, 21520335, 27032803). For these reasons, this variant has been classified as Pathogenic. ClinVar contains an entry for this variant (Variation ID: 2064753). This variant has not been reported in the literature in individuals affected with BBS1-related conditions. This variant is not present in population databases (gnomAD no frequency).

Literature cited by the submitters: PubMed 12118255; PubMed 21520335; PubMed 27032803.

NM_024649.5(BBS1):c.1119dup (p.Thr374fs)

Genes: BBS1 (Bardet-Biedl syndrome 1; plus strand), ZDHHC24 (zDHHC palmitoyltransferase 24; minus strand). Cytogenetic location: 11q13.2.
Variant type: Duplication.
Coding change: c.1119dup on transcript NM_024649.5 (MANE Select); coding-DNA position 1119, one base duplicated (G; older notation c.1119dupG).
Protein change: p.Thr374fs; shifts the reading frame from threonine 374.
Molecular consequence: frameshift variant. On other transcripts: intron variant (1).
Genome position (GRCh38, 1-based): chr11:66,526,131, G duplicated. VCF-style (leftmost placement, unchanged base first): chr11-66526130-T-TG. GRCh37 (hg19) VCF-style: chr11-66293601-T-TG.
Other names: c.*21+805dup (NM_001348571.2); short protein forms T374fs.
Identifiers: ClinVar variation 2064753 (VCV002064753.4), dbSNP rs2495795815, ClinGen allele CA2580084797.
Genomic context (GRCh38, chr11:66,526,130, plus strand): 5'-TTGCTTTCCTCTCCAAGATATTTCCCCAACTAAACTCTGACGTCTCCACATAGGATGCAG[T>TG]GACCAGCCTTTGCTTTGGCCGGTACGGGCGGGAGGACAACACCCTCATCATGACCACTCG-3'